The following is an entry in ClinVar:

NM_001368397.1(FRMPD4):c.1403A>T (p.Asn468Ile)

Gene: FRMPD4 (FERM and PDZ domain containing 4; plus strand). Cytogenetic location: Xp22.2.
Variant type: single nucleotide variant.
Coding change: c.1403A>T on transcript NM_001368397.1 (MANE Select); coding-DNA position 1403, A replaced by T.
Protein change: p.Asn468Ile; replaces asparagine 468 with isoleucine.
Molecular consequence: missense variant.
Genome position (GRCh38, 1-based): chrX:12,707,584, A>T. VCF-style: chrX-12707584-A-T. GRCh37 (hg19) VCF-style: chrX-12725703-A-T.
Other names: c.1514A>T, p.Asn505Ile (NM_001368395.3, NM_001368398.3); c.1409A>T, p.Asn470Ile (NM_001368396.3); c.1394A>T, p.Asn465Ile (NM_001368399.3); c.1283A>T, p.Asn428Ile (NM_001368400.3); c.1379A>T, p.Asn460Ile (NM_001368401.1, NM_001368402.3); c.1403A>T, p.Asn468Ile (NM_014728.3); short protein forms N428I, N460I, N465I, N468I, N470I, N505I.
Identifiers: ClinVar variation 3901797 (VCV003901797.1).

ClinVar aggregate classification (germline): Uncertain significance (1 of 4 stars; one submission).

gnomAD v4.1: 2 of 1,211,127 alleles (0.00017%); highest among the groups gnomAD compares: African/African-American, 0.0035%; no homozygotes.

Submission:

GeneDx
Classification: Uncertain significance. Last evaluated: 2024-12-07. Review status: criteria provided, single submitter. Criteria: GeneDx Variant Classification Process June 2021. Collection method: clinical testing. Allele origin: germline. Affected: yes.
Comment: In silico analysis supports that this missense variant has a deleterious effect on protein structure/function; Has not been previously published as pathogenic or benign to our knowledge